The following is an entry in ClinVar:

ClinVar aggregate classification (germline): Uncertain significance (1 of 4 stars; one submission).

Submission:

GeneDx
Classification: Uncertain significance. Last evaluated: 2024-07-25. Review status: criteria provided, single submitter. Criteria: GeneDx Variant Classification Process June 2021. Collection method: clinical testing. Allele origin: germline. Affected: yes.
Comment: Reported using an alternate transcript of the gene; Not observed at significant frequency in large population cohorts (gnomAD); In silico analysis indicates that this missense variant does not alter protein structure/function; Has not been previously published as pathogenic or benign to our knowledge

NM_001037.5(SCN1B):c.448+277G>A

Gene: SCN1B (sodium voltage-gated channel beta subunit 1; plus strand). Cytogenetic location: 19q13.11.
Variant type: single nucleotide variant.
Coding change: c.448+277G>A on transcript NM_001037.5 (MANE Select); 277 bases into the intron after coding-DNA position 448, G replaced by A.
Molecular consequence: intron variant. On other transcripts: missense variant (1).
Genome position (GRCh38, 1-based): chr19:35,034,016, G>A. VCF-style: chr19-35034016-G-A. GRCh37 (hg19) VCF-style: chr19-35524920-G-A.
Other names: c.725G>A, p.Arg242Lys (NM_199037.5); c.349+277G>A (NM_001321605.2); short protein forms R242K.
Identifiers: ClinVar variation 3600860 (VCV003600860.1).